The following is an entry in ClinVar:

ClinVar aggregate classification (germline): Likely benign. Review status: criteria provided, multiple submitters, no conflicts (2 of 4 stars). 3 submissions from 2 submitters: Likely benign (3). Last evaluated 2022-01-26.

Conditions:
Cardiovascular phenotype. Identifiers: MedGen CN230736.
Hereditary cancer-predisposing syndrome. Also called: Hereditary neoplastic syndrome; Neoplastic Syndromes, Hereditary; Tumor predisposition; Hereditary Cancer Syndrome. Identifiers: Orphanet 140162, MedGen C0027672, MeSH D009386, MONDO:0015356.
Neurofibromatosis, type 1 (NF1). Also called: VON RECKLINGHAUSEN DISEASE; Peripheral type neurofibromatosis; NEUROFIBROMATOSIS, TYPE I, SOMATIC; Neurofibromatosis, type I. Identifiers: Orphanet 636, MedGen C0027831, MONDO:0018975, OMIM 162200. Disease mechanism: loss of function.

Submissions (3):

Labcorp Genetics (formerly Invitae), Labcorp
Classification: Likely benign for Neurofibromatosis, type 1. Last evaluated: 2022-01-26. Review status: criteria provided, single submitter. Criteria: Invitae Variant Classification Sherloc (09022015). Collection method: clinical testing. Allele origin: germline.

Ambry Genetics
Classification: Likely benign for Hereditary cancer-predisposing syndrome. Last evaluated: 2016-06-20. Review status: criteria provided, single submitter. Criteria: Ambry Autosomal Dominant and X-Linked criteria (10/2015). Collection method: clinical testing. Allele origin: germline. Observed: 1 variant allele.
Comment: In silico models in agreement (benign);Synonymous alterations with insufficient evidence to classify as benign

Ambry Genetics
Classification: Likely benign for Cardiovascular phenotype; Hereditary cancer-predisposing syndrome. Last evaluated: 2016-06-20. Review status: criteria provided, single submitter. Criteria: Ambry Variant Classification Scheme 2023. Collection method: clinical testing. Allele origin: germline.

NM_001042492.3(NF1):c.2931A>G (p.Glu977=)

Gene: NF1 (neurofibromin 1; plus strand). Cytogenetic location: 17q11.2.
Variant type: single nucleotide variant.
Coding change: c.2931A>G on transcript NM_001042492.3 (MANE Select); coding-DNA position 2931, A replaced by G.
Protein change: p.Glu977=; no amino-acid change (glutamic acid 977 retained).
Molecular consequence: synonymous variant.
Genome position (GRCh38, 1-based): chr17:31,229,915, A>G. VCF-style: chr17-31229915-A-G. GRCh37 (hg19) VCF-style: chr17-29556933-A-G.
Other names: c.2931A>G, p.Glu977= (NM_000267.4).
Identifiers: ClinVar variation 480136 (VCV000480136.10), dbSNP rs1555614447, ClinGen allele CA499229991.